The following is an entry in ClinVar:

ClinVar aggregate classification (germline): Pathogenic (1 of 4 stars; one submission).

Submission:

Labcorp Genetics (formerly Invitae), Labcorp
Classification: Pathogenic. Last evaluated: 2023-06-27. Review status: criteria provided, single submitter. Criteria: Invitae Variant Classification Sherloc (09022015). Collection method: clinical testing. Allele origin: unknown.
Comment: For these reasons, this variant has been classified as Pathogenic. This variant has not been reported in the literature in individuals affected with SNX10-related conditions. A gross deletion of the genomic region encompassing the full coding sequence of the SNX10 gene has been identified. Loss-of-function variants in SNX10 are known to be pathogenic (PMID: 23123320, 23280965, 25811986). The boundaries of this event are unknown as they extend beyond the assayed region for this gene and therefore may encompass additional genes.

Literature cited by the submitters: PubMed 23123320; PubMed 23280965; PubMed 25811986.

NC_000007.13:g.(?_26232136)_(28172587_?)del

Genes: CBX3 (chromobox 3; plus strand), EVX1 (even-skipped homeobox 1; plus strand), HIBADH (3-hydroxyisobutyrate dehydrogenase; minus strand), HNRNPA2B1 (heterogeneous nuclear ribonucleoprotein A2/B1; minus strand), HOTAIRM1 (HOXA transcript antisense RNA, myeloid-specific 1; plus strand) and 19 more. Cytogenetic location: 7p15.2-15.1.
Variant type: Deletion.
Identifiers: ClinVar variation 3245865 (VCV003245865.1).